The following is an entry in ClinVar:

NC_000011.10:g.47351385_47351387del

Gene: MYBPC3 (myosin binding protein C3; minus strand). Cytogenetic location: 11p11.2.
Variant type: Deletion.
Molecular consequence: inframe deletion (on NM_000256.3).
Genome position: GRCh38 VCF-style: chr11-47351382-CTGA-C. GRCh37 (hg19) VCF-style: chr11-47372933-CTGA-C.
Other names: c.146_148delTCA (NM_000256.3); c.146_148del, p.Ile49del (LRG_386t1).
Identifiers: ClinVar variation 449310 (VCV000449310.20), dbSNP rs781207661, ClinGen allele CA045293.

ClinVar aggregate classification (germline): Uncertain significance. Review status: criteria provided, multiple submitters, no conflicts (2 of 4 stars). 5 submissions from 5 submitters: Uncertain significance (5). Last evaluated 2025-11-01.

Conditions:
Cardiomyopathy (CMYO). Also called: Cardiomyopathies. Identifiers: Orphanet 167848, MedGen C0878544, MONDO:0004994, HP:0001638. Inheritance: Various modes of inheritance.
Hypertrophic cardiomyopathy. Also called: HYPERTROPHIC MYOCARDIOPATHY. Identifiers: Orphanet 217569, MedGen C0007194, MeSH D002312, MONDO:0005045, HP:0001639.

Submissions (5):

CeGaT Center for Human Genetics Tuebingen
Classification: Uncertain significance. Last evaluated: 2025-11-01. Review status: criteria provided, single submitter. Criteria: CeGaT Center For Human Genetics Tuebingen Variant Classification Criteria Version 2. Collection method: clinical testing. Allele origin: germline. Affected: yes. Observed: 1 variant allele.
Comment: MYBPC3: PS4:Moderate, PM2:Supporting, PM4:Supporting

Labcorp Genetics (formerly Invitae), Labcorp
Classification: Uncertain significance for Hypertrophic cardiomyopathy. Last evaluated: 2025-06-16. Review status: criteria provided, single submitter. Criteria: Invitae Variant Classification Sherloc (09022015). Collection method: clinical testing. Allele origin: germline.
Comment: This variant, c.146_148del, results in the deletion of 1 amino acid(s) of the MYBPC3 protein (p.Ile49del), but otherwise preserves the integrity of the reading frame. This variant is present in population databases (rs781207661, gnomAD 0.003%). This variant has been observed in individual(s) with hypertrophic cardiomyopathy (PMID: 24111713, 27532257, 33495596, 35653365, 37652022; internal data). ClinVar contains an entry for this variant (Variation ID: 449310). Experimental studies and prediction algorithms are not available or were not evaluated, and the functional significance of this variant is currently unknown. This variant disrupts a region of the MYBPC3 protein in which other variant(s) (p.Ile49Ser) have been observed in individuals with MYBPC3-related conditions (PMID: 26090888). This suggests that this is a clinically significant region of the protein, and that variants that disrupt it are likely to be disease-causing. In summary, the available evidence is currently insufficient to determine the role of this variant in disease. Therefore, it has been classified as a Variant of Uncertain Significance.

Blueprint Genetics
Classification: Uncertain significance. Last evaluated: 2024-05-03. Review status: criteria provided, single submitter. Criteria: ACMG Guidelines, 2015. Collection method: clinical testing. Allele origin: germline.

Color Diagnostics, LLC DBA Color Health
Classification: Uncertain significance for Cardiomyopathy. Last evaluated: 2024-04-26. Review status: criteria provided, single submitter. Criteria: ACMG Guidelines, 2015. Collection method: clinical testing. Allele origin: germline.
Comment: This variant causes an in-frame deletion of one amino acid at exon 2 of the MYBPC3 protein. To our knowledge, functional studies have not been reported for this variant. This variant has been reported in at least 4 individuals affected with hypertrophic cardiomyopathy (PMID: 24111713, 27532257, 28971120, 33495596). This variant has been identified in 3/239780 chromosomes in the general population by the Genome Aggregation Database (gnomAD). The available evidence is insufficient to determine the role of this variant in disease conclusively. Therefore, this variant is classified as a Variant of Uncertain Significance.

GeneDx
Classification: Uncertain significance. Last evaluated: 2023-10-30. Review status: criteria provided, single submitter. Criteria: GeneDx Variant Classification Process June 2021. Collection method: clinical testing. Allele origin: germline. Affected: yes.
Comment: Not observed at significant frequency in large population cohorts (gnomAD); In silico analysis supports a deleterious effect on protein structure/function; Identified in patients with cardiomyopathy referred for genetic testing at GeneDx and in published literature (PMID: 29169752, 24111713, 35653365, 27532257); This variant is associated with the following publications: (PMID: 27532257, 29169752, 24111713, 35653365)

Literature cited by the submitters: PubMed 24111713 (cited by Labcorp Genetics (formerly Invitae), Labcorp and Color Diagnostics, LLC DBA Color Health); PubMed 27532257 (cited by Labcorp Genetics (formerly Invitae), Labcorp and Color Diagnostics, LLC DBA Color Health); PubMed 33495596 (cited by Labcorp Genetics (formerly Invitae), Labcorp and Color Diagnostics, LLC DBA Color Health); PubMed 35653365 (cited by Labcorp Genetics (formerly Invitae), Labcorp); PubMed 37652022 (cited by Labcorp Genetics (formerly Invitae), Labcorp); PubMed 26090888 (cited by Labcorp Genetics (formerly Invitae), Labcorp); PubMed 28971120 (cited by Color Diagnostics, LLC DBA Color Health).